The following is an entry in ClinVar:

ClinVar aggregate classification (germline): Uncertain significance (1 of 4 stars; one submission).

Allele frequency attached by ClinVar (database versions not stated): TOPMed 0.00002; gnomAD 0.00003; gnomAD exomes 0.00003; ExAC 0.00004; ESP Exome Variant Server 0.00008.
gnomAD v4.1: 46 of 1,611,366 alleles (0.0029%); highest among the groups gnomAD compares: South Asian, 0.012%; no homozygotes.

Submission:

Labcorp Genetics (formerly Invitae), Labcorp
Classification: Uncertain significance. Last evaluated: 2024-03-29. Review status: criteria provided, single submitter. Criteria: Invitae Variant Classification Sherloc (09022015). Collection method: clinical testing. Allele origin: germline.
Comment: This sequence change replaces asparagine, which is neutral and polar, with serine, which is neutral and polar, at codon 768 of the ERBIN protein (p.Asn768Ser). This variant is present in population databases (rs146566481, gnomAD 0.01%). This variant has not been reported in the literature in individuals affected with ERBIN-related conditions. ClinVar contains an entry for this variant (Variation ID: 1898136). An algorithm developed to predict the effect of missense changes on protein structure and function (PolyPhen-2) suggests that this variant is likely to be tolerated. In summary, the available evidence is currently insufficient to determine the role of this variant in disease. Therefore, it has been classified as a Variant of Uncertain Significance.

NM_001253697.2(ERBIN):c.2303A>G (p.Asn768Ser)

Gene: ERBIN (erbb2 interacting protein; plus strand). Cytogenetic location: 5q12.3.
Variant type: single nucleotide variant.
Coding change: c.2303A>G on transcript NM_001253697.2 (MANE Select); coding-DNA position 2303, A replaced by G.
Protein change: p.Asn768Ser; replaces asparagine 768 with serine.
Molecular consequence: missense variant.
Genome position (GRCh38, 1-based): chr5:66,053,621, A>G. VCF-style: chr5-66053621-A-G. GRCh37 (hg19) VCF-style: chr5-65349449-A-G.
Other names: c.2303A>G, p.Asn768Ser (NM_001006600.3, NM_001253698.2, NM_001253699.2 and 1 more transcripts); c.2291A>G, p.Asn764Ser (NM_001253701.2); short protein forms N768S, N764S.
Identifiers: ClinVar variation 1898136 (VCV001898136.5), dbSNP rs146566481, ClinGen allele CA3286457.